The following is an entry in ClinVar:

NM_006531.5(IFT88):c.595G>T (p.Val199Phe)

Gene: IFT88 (intraflagellar transport 88; plus strand). Cytogenetic location: 13q12.11.
Variant type: single nucleotide variant.
Coding change: c.595G>T on transcript NM_006531.5 (MANE Select); coding-DNA position 595, G replaced by T.
Protein change: p.Val199Phe; replaces valine 199 with phenylalanine.
Molecular consequence: missense variant. On other transcripts: 5 prime UTR variant (1), non-coding transcript variant (5).
Genome position (GRCh38, 1-based): chr13:20,598,651, G>T. VCF-style: chr13-20598651-G-T. GRCh37 (hg19) VCF-style: chr13-21172790-G-T.
Other names: c.538G>T, p.Val180Phe (NM_001318491.2, NM_001353573.2, NM_001353574.2 and 1 more transcripts); c.622G>T, p.Val208Phe (NM_001318493.2, NM_001353565.2, NM_001353566.2 and 6 more transcripts); c.595G>T, p.Val199Phe (NM_001353568.2, NM_001353571.2, NM_001353572.2 and 1 more transcripts); c.-39G>T (NM_001353579.2); short protein forms V208F, V180F, V199F.
Identifiers: ClinVar variation 4703378 (VCV004703378.1).

ClinVar aggregate classification (germline): Uncertain significance (1 of 4 stars; one submission).

gnomAD v4.1: 2 of 1,596,080 alleles (0.00013%); highest among the groups gnomAD compares: Non-Finnish European, 0.00017%; no homozygotes.

Submission:

Labcorp Genetics (formerly Invitae), Labcorp
Classification: Uncertain significance. Last evaluated: 2025-02-19. Review status: criteria provided, single submitter. Criteria: Invitae Variant Classification Sherloc (09022015). Collection method: clinical testing. Allele origin: germline.
Comment: This sequence change replaces valine, which is neutral and non-polar, with phenylalanine, which is neutral and non-polar, at codon 208 of the IFT88 protein (p.Val208Phe). This variant is not present in population databases (gnomAD no frequency). This variant has not been reported in the literature in individuals affected with IFT88-related conditions. An algorithm developed to predict the effect of missense changes on protein structure and function (PolyPhen-2) suggests that this variant is likely to be disruptive. In summary, the available evidence is currently insufficient to determine the role of this variant in disease. Therefore, it has been classified as a Variant of Uncertain Significance.